The following is an entry in ClinVar:

ClinVar aggregate classification (germline): Uncertain significance (1 of 4 stars; one submission).

Conditions:
Bethlem myopathy 1A. Also called: Bethlem myopathy 1; MYOPATHY, BENIGN CONGENITAL, WITH CONTRACTURES; Bethlem Muscular Dystrophy. Identifiers: Orphanet 610, MedGen CN029274, MONDO:0024530, OMIM 158810.

Submission:

Labcorp Genetics (formerly Invitae), Labcorp
Classification: Uncertain significance for Bethlem myopathy 1A. Last evaluated: 2023-02-22. Review status: criteria provided, single submitter. Criteria: Invitae Variant Classification Sherloc (09022015). Collection method: clinical testing. Allele origin: germline.
Comment: In summary, the available evidence is currently insufficient to determine the role of this variant in disease. Therefore, it has been classified as a Variant of Uncertain Significance. Advanced modeling of protein sequence and biophysical properties (such as structural, functional, and spatial information, amino acid conservation, physicochemical variation, residue mobility, and thermodynamic stability) performed at Invitae indicates that this missense variant is not expected to disrupt COL6A1 protein function. This variant has not been reported in the literature in individuals affected with COL6A1-related conditions. This variant is not present in population databases (gnomAD no frequency). This sequence change replaces valine, which is neutral and non-polar, with leucine, which is neutral and non-polar, at codon 333 of the COL6A1 protein (p.Val333Leu).

NM_001848.3(COL6A1):c.997G>T (p.Val333Leu)

Gene: COL6A1 (collagen type VI alpha 1 chain; plus strand). Cytogenetic location: 21q22.3.
Variant type: single nucleotide variant.
Coding change: c.997G>T on transcript NM_001848.3 (MANE Select); coding-DNA position 997, G replaced by T.
Protein change: p.Val333Leu; replaces valine 333 with leucine.
Molecular consequence: missense variant.
Genome position (GRCh38, 1-based): chr21:45,990,417, G>T. VCF-style: chr21-45990417-G-T. GRCh37 (hg19) VCF-style: chr21-47410331-G-T.
Other names: short protein forms V333L.
Identifiers: ClinVar variation 2815469 (VCV002815469.3), dbSNP rs201525908, ClinGen allele CA410522744.